The following is an entry in ClinVar:

ClinVar aggregate classification (germline): Uncertain significance (1 of 4 stars; one submission).

Conditions:
Oxoglutaricaciduria. Identifiers: Orphanet 31, MedGen C2752074, MONDO:0008759, OMIM 203740.

Allele frequency attached by ClinVar (database versions not stated): ESP Exome Variant Server 0.00015; ExAC 0.00022; gnomAD 0.00035; TOPMed 0.00045.
gnomAD v4.1: 449 of 1,609,912 alleles (0.028%); highest among the groups gnomAD compares: Admixed American, 0.085%; 1 homozygote.

Submission:

Labcorp Genetics (formerly Invitae), Labcorp
Classification: Uncertain significance for Oxoglutaricaciduria. Last evaluated: 2022-02-23. Review status: criteria provided, single submitter. Criteria: Invitae Variant Classification Sherloc (09022015). Collection method: clinical testing. Allele origin: germline.
Comment: In summary, the available evidence is currently insufficient to determine the role of this variant in disease. Therefore, it has been classified as a Variant of Uncertain Significance. Algorithms developed to predict the effect of missense changes on protein structure and function are either unavailable or do not agree on the potential impact of this missense change (SIFT: "Deleterious"; PolyPhen-2: "Benign"; Align-GVGD: "Class C0"). This variant has not been reported in the literature in individuals affected with OGDH-related conditions. This variant is present in population databases (rs145219519, gnomAD 0.06%), and has an allele count higher than expected for a pathogenic variant. This sequence change replaces arginine, which is basic and polar, with isoleucine, which is neutral and non-polar, at codon 27 of the OGDH protein (p.Arg27Ile).

NM_002541.4(OGDH):c.80G>T (p.Arg27Ile)

Gene: OGDH (oxoglutarate dehydrogenase; plus strand). Cytogenetic location: 7p13.
Variant type: single nucleotide variant.
Coding change: c.80G>T on transcript NM_002541.4 (MANE Select); coding-DNA position 80, G replaced by T.
Protein change: p.Arg27Ile; replaces arginine 27 with isoleucine.
Molecular consequence: missense variant.
Genome position (GRCh38, 1-based): chr7:44,624,423, G>T. VCF-style: chr7-44624423-G-T. GRCh37 (hg19) VCF-style: chr7-44664022-G-T.
Other names: c.80G>T, p.Arg27Ile (NM_001003941.3, NM_001165036.2, NM_001363523.2); short protein forms R27I.
Identifiers: ClinVar variation 2059400 (VCV002059400.2), dbSNP rs145219519, ClinGen allele CA4243456.